The following is an entry in ClinVar:

NM_001098.3(ACO2):c.1482+17G>A

Gene: ACO2 (aconitase 2; plus strand). Cytogenetic location: 22q13.2.
Variant type: single nucleotide variant.
Coding change: c.1482+17G>A on transcript NM_001098.3 (MANE Select); 17 bases into the intron after coding-DNA position 1482, G replaced by A.
Molecular consequence: intron variant.
Genome position (GRCh38, 1-based): chr22:41,523,958, G>A. VCF-style: chr22-41523958-G-A. GRCh37 (hg19) VCF-style: chr22-41919962-G-A.
Identifiers: ClinVar variation 509936 (VCV000509936.9), dbSNP rs372229124, ClinGen allele CA10257665.

ClinVar aggregate classification (germline): Likely benign. Review status: criteria provided, multiple submitters, no conflicts (2 of 4 stars). 3 submissions from 3 submitters: Likely benign (3). Last evaluated 2025-12-17.

Allele frequency attached by ClinVar (database versions not stated): gnomAD exomes 0.00011 and 0.00022; ESP Exome Variant Server 0.00038; gnomAD 0.00008 and 0.00009; ExAC 0.00009; TOPMed 0.00010.
gnomAD v4.1: 322 of 1,610,700 alleles (0.02%); highest among the groups gnomAD compares: Non-Finnish European, 0.027%; 1 homozygote.

Submissions (3):

Labcorp Genetics (formerly Invitae), Labcorp
Classification: Likely benign. Last evaluated: 2025-12-17. Review status: criteria provided, single submitter. Criteria: Invitae Variant Classification Sherloc (09022015). Collection method: clinical testing. Allele origin: germline.

Blueprint Genetics
Classification: Likely benign. Last evaluated: 2024-10-28. Review status: criteria provided, single submitter. Criteria: ACMG Guidelines, 2015. Collection method: clinical testing. Allele origin: germline.

GeneDx
Classification: Likely benign. Last evaluated: 2017-07-19. Review status: criteria provided, single submitter. Criteria: GeneDx Variant Classification (06012015). Collection method: clinical testing. Allele origin: germline. Affected: yes.
Comment: This variant is considered likely benign or benign based on one or more of the following criteria: it is a conservative change, it occurs at a poorly conserved position in the protein, it is predicted to be benign by multiple in silico algorithms, and/or has population frequency not consistent with disease.